The following is an entry in ClinVar:

ClinVar aggregate classification (germline): Uncertain significance (1 of 4 stars; one submission).

Conditions:
Idiopathic generalized epilepsy. Also called: EIG; Generalised epilepsy. Identifiers: MedGen C0270850, MONDO:0005579, OMIM 600669.
Epilepsy, childhood absence 4 (ECA4). Also called: EPILEPSY, CHILDHOOD ABSENCE, SUSCEPTIBILITY TO, 4. Identifiers: Orphanet 307, MedGen C1970160.
Epilepsy, idiopathic generalized, susceptibility to, 13. Also called: EPILEPSY, JUVENILE MYOCLONIC, SUSCEPTIBILITY TO, 5. Identifiers: Orphanet 307, Orphanet 64280, MedGen C4013473, MONDO:0012627, OMIM 611136.

Allele frequency attached by ClinVar (database versions not stated): gnomAD exomes 0.00001; ExAC 0.00002.
gnomAD v4.1: 4 of 1,613,500 alleles (0.00025%); highest among the groups gnomAD compares: Non-Finnish European, 0.00034%; no homozygotes.

Submission:

Labcorp Genetics (formerly Invitae), Labcorp
Classification: Uncertain significance for Epilepsy, childhood absence 4; Epilepsy, idiopathic generalized, susceptibility to, 13; Idiopathic generalized epilepsy. Last evaluated: 2024-10-21. Review status: criteria provided, single submitter. Criteria: Invitae Variant Classification Sherloc (09022015). Collection method: clinical testing. Allele origin: germline.
Comment: This sequence change replaces aspartic acid, which is acidic and polar, with glycine, which is neutral and non-polar, at codon 226 of the GABRA1 protein (p.Asp226Gly). This variant is present in population databases (rs748783999, gnomAD 0.003%). This missense change has been observed in individual(s) with clinical features of early infantile epileptic encephalopathy (internal data). ClinVar contains an entry for this variant (Variation ID: 1037516). Invitae Evidence Modeling of protein sequence and biophysical properties (such as structural, functional, and spatial information, amino acid conservation, physicochemical variation, residue mobility, and thermodynamic stability) indicates that this missense variant is not expected to disrupt GABRA1 protein function with a negative predictive value of 80%. In summary, the available evidence is currently insufficient to determine the role of this variant in disease. Therefore, it has been classified as a Variant of Uncertain Significance.

NM_001127644.2(GABRA1):c.677A>G (p.Asp226Gly)

Gene: GABRA1 (gamma-aminobutyric acid type A receptor subunit alpha1; plus strand). Cytogenetic location: 5q34.
Variant type: single nucleotide variant.
Coding change: c.677A>G on transcript NM_001127644.2 (MANE Select); coding-DNA position 677, A replaced by G.
Protein change: p.Asp226Gly; replaces aspartic acid 226 with glycine.
Molecular consequence: missense variant.
Genome position (GRCh38, 1-based): chr5:161,882,675, A>G. VCF-style: chr5-161882675-A-G. GRCh37 (hg19) VCF-style: chr5-161309681-A-G.
Other names: c.677A>G, p.Asp226Gly (NM_000806.5, NM_001127643.2, NM_001127645.2 and 1 more transcripts); short protein forms D226G.
Identifiers: ClinVar variation 1037516 (VCV001037516.8), dbSNP rs748783999, ClinGen allele CA3544480.